The following is an entry in ClinVar:

ClinVar aggregate classification (germline): Uncertain significance (1 of 4 stars; one submission).

Conditions:
Cryopyrin associated periodic syndrome (CAPS). Identifiers: Orphanet 208650, MedGen C2316212, MONDO:0016168.

Allele frequency attached by ClinVar (database versions not stated): TOPMed 0.00001.
gnomAD v4.1: 10 of 1,613,866 alleles (0.00062%); highest among the groups gnomAD compares: Non-Finnish European, 0.00068%; no homozygotes.

Submission:

Labcorp Genetics (formerly Invitae), Labcorp
Classification: Uncertain significance for Cryopyrin associated periodic syndrome. Last evaluated: 2025-08-12. Review status: criteria provided, single submitter. Criteria: Invitae Variant Classification Sherloc (09022015). Collection method: clinical testing. Allele origin: germline.
Comment: This sequence change replaces aspartic acid, which is acidic and polar, with glutamic acid, which is acidic and polar, at codon 949 of the NLRP3 protein (p.Asp949Glu). This variant is not present in population databases (gnomAD no frequency). This variant has not been reported in the literature in individuals affected with NLRP3-related conditions. ClinVar contains an entry for this variant (Variation ID: 1401787). Invitae Evidence Modeling of protein sequence and biophysical properties (such as structural, functional, and spatial information, amino acid conservation, physicochemical variation, residue mobility, and thermodynamic stability) indicates that this missense variant is not expected to disrupt NLRP3 protein function with a negative predictive value of 95%. In summary, the available evidence is currently insufficient to determine the role of this variant in disease. Therefore, it has been classified as a Variant of Uncertain Significance.

NM_001243133.2(NLRP3):c.2841C>A (p.Asp947Glu)

Gene: NLRP3 (NLR family pyrin domain containing 3; plus strand). Cytogenetic location: 1q44.
Variant type: single nucleotide variant.
Coding change: c.2841C>A on transcript NM_001243133.2 (MANE Select); coding-DNA position 2841, C replaced by A.
Protein change: p.Asp947Glu; replaces aspartic acid 947 with glutamic acid.
Molecular consequence: missense variant.
Genome position (GRCh38, 1-based): chr1:247,444,657, C>A. VCF-style: chr1-247444657-C-A. GRCh37 (hg19) VCF-style: chr1-247607959-C-A.
Other names: c.2841C>A, p.Asp947Glu (NM_001079821.3); c.2670C>A, p.Asp890Glu (NM_001127461.3, NM_001127462.3); c.2847C>A, p.Asp949Glu (NM_004895.5); c.2499C>A, p.Asp833Glu (NM_183395.3); short protein forms D949E, D890E, D833E, D947E.
Identifiers: ClinVar variation 1401787 (VCV001401787.6), dbSNP rs1459653470, ClinGen allele CA345565489.